The following is an entry in ClinVar:

ClinVar aggregate classification (germline): Uncertain significance. Review status: criteria provided, multiple submitters, no conflicts (2 of 4 stars). 4 submissions from 4 submitters: Uncertain significance (4). Last evaluated 2025-08-10.

Conditions:
Wilms tumor 1 (WT1). Also called: Wilms tumor, somatic. Identifiers: Orphanet 654, MedGen CN033288, MONDO:0008679, OMIM 194070.
11p partial monosomy syndrome (WAGR). Also called: WAGR Complex; CHROMOSOME 11p13 DELETION SYNDROME; WAGR Spectrum Disorder; WAGR syndrome. Identifiers: Orphanet 893, MedGen C0206115, MONDO:0008681, OMIM 194072.
Frasier syndrome. Identifiers: Orphanet 347, MedGen C0950122, MeSH D052159, MONDO:0007635, OMIM 136680.
Drash syndrome (DDS). Also called: NEPHROPATHY, WILMS TUMOR, AND GENITAL ANOMALIES; WILMS TUMOR AND PSEUDO- OR TRUE HERMAPHRODITISM. Identifiers: Orphanet 220, MedGen C0950121, MONDO:0008682, OMIM 194080.
WT1-related disorder. Also called: WT1-related disorders. Identifiers: MedGen CN377814.
Inborn genetic diseases. Identifiers: MedGen C0950123, MeSH D030342.

Allele frequency attached by ClinVar (database versions not stated): gnomAD exomes below 0.00001.
gnomAD v4.1: 1 of 1,609,476 alleles (0.000062%); highest among the groups gnomAD compares: Non-Finnish European, 0.000085%; no homozygotes.

Submissions (4):

Ambry Genetics
Classification: Uncertain significance for Inborn genetic diseases. Last evaluated: 2025-08-10. Review status: criteria provided, single submitter. Criteria: Ambry Variant Classification Scheme 2023. Collection method: clinical testing. Allele origin: germline.
Comment: The p.S145N variant (also known as c.434G>A), located in coding exon 1 of the WT1 gene, results from a G to A substitution at nucleotide position 434. The serine at codon 145 is replaced by asparagine, an amino acid with highly similar properties. This amino acid position is conserved. In addition, this alteration is predicted to be tolerated by in silico analysis. Based on the available evidence, the clinical significance of this variant remains unclear.

PreventionGenetics, part of Exact Sciences
Classification: Uncertain significance for WT1-related condition. Last evaluated: 2025-01-16. Review status: criteria provided, single submitter. Criteria: ACMG Guidelines, 2015. Collection method: clinical testing. Allele origin: germline.
Comment: The WT1 c.434G>A variant is predicted to result in the amino acid substitution p.Ser145Asn. To our knowledge, this variant has not been reported in the literature or in a large population database (gnomAD), indicating this variant is rare. At this time, the clinical significance of this variant is uncertain due to the absence of conclusive functional and genetic evidence.

Baylor Genetics
Classification: Uncertain significance for Drash syndrome. Last evaluated: 2023-12-27. Review status: criteria provided, single submitter. Criteria: ACMG Guidelines, 2015. Collection method: clinical testing. Allele origin: unknown.

Labcorp Genetics (formerly Invitae), Labcorp
Classification: Uncertain significance for Wilms tumor 1; Drash syndrome; 11p partial monosomy syndrome; Frasier syndrome. Last evaluated: 2022-08-23. Review status: criteria provided, single submitter. Criteria: Invitae Variant Classification Sherloc (09022015). Collection method: clinical testing. Allele origin: germline.
Comment: In summary, the available evidence is currently insufficient to determine the role of this variant in disease. Therefore, it has been classified as a Variant of Uncertain Significance. Algorithms developed to predict the effect of missense changes on protein structure and function are either unavailable or do not agree on the potential impact of this missense change (SIFT: "Deleterious"; PolyPhen-2: "Benign"; Align-GVGD: "Class C45"). ClinVar contains an entry for this variant (Variation ID: 1011095). This variant has not been reported in the literature in individuals affected with WT1-related conditions. This variant is not present in population databases (gnomAD no frequency). This sequence change replaces serine, which is neutral and polar, with asparagine, which is neutral and polar, at codon 145 of the WT1 protein (p.Ser145Asn).

NM_024426.6(WT1):c.449G>A (p.Ser150Asn)

Genes: WT1 (WT1 transcription factor; minus strand), LOC107982234 (WT1/WT1-AS bi-directional promoter region; plus strand). Cytogenetic location: 11p13.
Variant type: single nucleotide variant.
Coding change: c.449G>A on transcript NM_024426.6 (MANE Select); coding-DNA position 449, G replaced by A.
Protein change: p.Ser150Asn; replaces serine 150 with asparagine.
Molecular consequence: missense variant. On other transcripts: non-coding transcript variant (1).
Genome position (GRCh38, 1-based): chr11:32,434,912, C>T on the plus strand (G>A on the coding strand, the complement: WT1 is on the minus strand). VCF-style: chr11-32434912-C-T. GRCh37 (hg19) VCF-style: chr11-32456458-C-T.
Other names: c.449G>A, p.Ser150Asn (NM_000378.6, NM_024424.5); c.434G>A (NM_024426.4); short protein forms S150N.
Identifiers: ClinVar variation 1011095 (VCV001011095.12), dbSNP rs1853447426, ClinGen allele CA379965063.